The following is an entry in ClinVar:

NM_006231.4(POLE):c.746G>T (p.Arg249Leu)

Gene: POLE (DNA polymerase epsilon, catalytic subunit; minus strand). Cytogenetic location: 12q24.33.
Variant type: single nucleotide variant.
Coding change: c.746G>T on transcript NM_006231.4 (MANE Select); coding-DNA position 746, G replaced by T.
Protein change: p.Arg249Leu; replaces arginine 249 with leucine.
Molecular consequence: missense variant.
Genome position (GRCh38, 1-based): chr12:132,677,418, C>A on the plus strand (G>T on the coding strand, the complement: POLE is on the minus strand). VCF-style: chr12-132677418-C-A. GRCh37 (hg19) VCF-style: chr12-133254004-C-A.
Other names: short protein forms R249L.
Identifiers: ClinVar variation 2124014 (VCV002124014.4), dbSNP rs1331349861, ClinGen allele CA387364507.

ClinVar aggregate classification (germline): Uncertain significance (1 of 4 stars; one submission).

gnomAD v4.1: 1 of 1,614,006 alleles (0.000062%); no homozygotes.

Submission:

Labcorp Genetics (formerly Invitae), Labcorp
Classification: Uncertain significance. Last evaluated: 2022-04-10. Review status: criteria provided, single submitter. Criteria: Invitae Variant Classification Sherloc (09022015). Collection method: clinical testing. Allele origin: germline.
Comment: In summary, the available evidence is currently insufficient to determine the role of this variant in disease. Therefore, it has been classified as a Variant of Uncertain Significance. Algorithms developed to predict the effect of missense changes on protein structure and function are either unavailable or do not agree on the potential impact of this missense change (SIFT: "Tolerated"; PolyPhen-2: "Possibly Damaging"; Align-GVGD: "Class C0"). This variant has not been reported in the literature in individuals affected with POLE-related conditions. This variant is not present in population databases (gnomAD no frequency). This sequence change replaces arginine, which is basic and polar, with leucine, which is neutral and non-polar, at codon 249 of the POLE protein (p.Arg249Leu).